The following is an entry in ClinVar:

ClinVar aggregate classification (germline): Benign/Likely benign. Review status: criteria provided, multiple submitters, no conflicts (2 of 4 stars). 5 submissions from 5 submitters: Benign (1); Likely benign (4). Last evaluated 2026-01-24.

Conditions:
Junctional epidermolysis bullosa with pyloric atresia. Also called: EPIDERMOLYSIS BULLOSA, JUNCTIONAL 5B, WITH PYLORIC ATRESIA; Junctional Epidermolysis Bullosa- Pyloric Atresia Syndrome; APLASIA CUTIS CONGENITA WITH GASTROINTESTINAL ATRESIA; CARMI SYNDROME; EB-PA-ACC; ITGB4-Related Epidermolysis Bullosa with Pyloric Atresia. Identifiers: Orphanet 79403, MedGen C5676875, MONDO:0009183, OMIM 226730.

Allele frequency attached by ClinVar (database versions not stated): 1000 Genomes Project 30x 0.00078; TOPMed 0.00096; ESP Exome Variant Server 0.00131; 1000 Genomes Project 0.00060.
gnomAD v4.1: 244 of 1,612,490 alleles (0.015%); highest among the groups gnomAD compares: African/African-American, 0.29%; 1 homozygote.

Submissions (5):

Labcorp Genetics (formerly Invitae), Labcorp
Classification: Benign. Last evaluated: 2026-01-24. Review status: criteria provided, single submitter. Criteria: Invitae Variant Classification Sherloc (09022015). Collection method: clinical testing. Allele origin: germline.

CeGaT Center for Human Genetics Tuebingen
Classification: Likely benign. Last evaluated: 2026-01-01. Review status: criteria provided, single submitter. Criteria: CeGaT Center For Human Genetics Tuebingen Variant Classification Criteria Version 2. Collection method: clinical testing. Allele origin: germline. Affected: yes. Observed: 1 variant allele.
Comment: ITGB4: BP4, BP7

Mayo Clinic Laboratories, Mayo Clinic
Classification: Likely benign. Last evaluated: 2025-10-08. Review status: criteria provided, single submitter. Criteria: ACMG Guidelines, 2015. Collection method: clinical testing. Allele origin: germline. Observed: 1 variant allele.
Comment: BS1, BP4, BP7

Illumina Laboratory Services, Illumina
Classification: Likely benign for Junctional epidermolysis bullosa with pyloric atresia. Last evaluated: 2018-01-13. Review status: criteria provided, single submitter. Criteria: ICSL Variant Classification Criteria 13 December 2019. Collection method: clinical testing. Allele origin: germline.
Comment: This variant was observed in the ICSL laboratory as part of a predisposition screen in an ostensibly healthy population. It had not been previously curated by ICSL or reported in the Human Gene Mutation Database (HGMD: prior to June 1st, 2018), and was therefore a candidate for classification through an automated scoring system. Utilizing variant allele frequency, disease prevalence and penetrance estimates, and inheritance mode, an automated score was calculated to assess if this variant is too frequent to cause the disease. Based on the score and internal cut-off values, a variant classified as likely benign is not then subjected to further curation. The score for this variant resulted in a classification of likely benign for this disease.

Breakthrough Genomics
Classification: Likely benign. Review status: criteria provided, single submitter. Criteria: ACMG Guidelines, 2015. Collection method: not provided. Allele origin: germline. Inheritance: Autosomal recessive inheritance. Affected: yes.

NM_000213.5(ITGB4):c.5055G>C (p.Gly1685=)

Genes: ITGB4 (integrin subunit beta 4; plus strand), GALK1 (galactokinase 1; minus strand). Cytogenetic location: 17q25.1.
Variant type: single nucleotide variant.
Coding change: c.5055G>C on transcript NM_000213.5 (MANE Select); coding-DNA position 5055, G replaced by C.
Protein change: p.Gly1685=; no amino-acid change (glycine 1685 retained).
Molecular consequence: synonymous variant. On other transcripts: intron variant (1).
Genome position (GRCh38, 1-based): chr17:75,756,944, G>C. VCF-style: chr17-75756944-G-C. GRCh37 (hg19) VCF-style: chr17-73753025-G-C.
Other names: p.Gly1685=; c.5004G>C, p.Gly1668= (NM_001005619.2); c.4845G>C, p.Gly1615= (NM_001005731.3, NM_001321123.2); c.4695G>C, p.Gly1565= (NM_001438834.1); c.*22+1090C>G (NM_001381985.1).
Identifiers: ClinVar variation 325209 (VCV000325209.17), dbSNP rs148658410, ClinGen allele CA8770439.
Genomic context (GRCh38, chr17:75,756,944, plus strand): 5'-GTGGCCAGGGGAGGGGTAAAGAGGGGGCCGCAGACGCTGAAGGCATCTTCCCTGCTCAGG[G>C]CCAGCCACCGCATTCCGGGTGGATGGAGACAGCCCCGAGAGCCGGCTGACCGTGCCGGGC-3'
Protein context (NP_000204.3, residues 1675-1695): LVTCEMAQGG[Gly1685=]PATAFRVDGD